The following is an entry in ClinVar:

ClinVar aggregate classification (germline): Uncertain significance. Review status: criteria provided, multiple submitters, no conflicts (2 of 4 stars). 2 submissions from 2 submitters: Uncertain significance (2). Last evaluated 2024-03-14.

Conditions:
Bloom syndrome (BLM). Also called: Bloom-Torre-Machacek syndrome. Identifiers: Orphanet 125, MedGen C0005859, MONDO:0008876, OMIM 210900.
Hereditary cancer-predisposing syndrome. Also called: Neoplastic Syndromes, Hereditary; Hereditary neoplastic syndrome; Hereditary Cancer Syndrome; Tumor predisposition. Identifiers: Orphanet 140162, MedGen C0027672, MeSH D009386, MONDO:0015356.

Allele frequency attached by ClinVar (database versions not stated): gnomAD exomes below 0.00001.
gnomAD v4.1: 1 of 1,530,860 alleles (0.000065%); highest among the groups gnomAD compares: Non-Finnish European, 0.000087%; no homozygotes.

Submissions (2):

Ambry Genetics
Classification: Uncertain significance for Hereditary cancer-predisposing syndrome. Last evaluated: 2024-03-14. Review status: criteria provided, single submitter. Criteria: Ambry Variant Classification Scheme 2023. Collection method: clinical testing. Allele origin: germline.
Comment: The p.C607R variant (also known as c.1819T>C), located in coding exon 6 of the BLM gene, results from a T to C substitution at nucleotide position 1819. The cysteine at codon 607 is replaced by arginine, an amino acid with highly dissimilar properties. This amino acid position is conserved. In addition, this alteration is predicted to be tolerated by in silico analysis. Based on the available evidence, the clinical significance of this alteration remains unclear.

Labcorp Genetics (formerly Invitae), Labcorp
Classification: Uncertain significance for Bloom syndrome. Last evaluated: 2023-03-31. Review status: criteria provided, single submitter. Criteria: Invitae Variant Classification Sherloc (09022015). Collection method: clinical testing. Allele origin: germline.
Comment: This variant is not present in population databases (gnomAD no frequency). This variant has not been reported in the literature in individuals affected with BLM-related conditions. Algorithms developed to predict the effect of missense changes on protein structure and function output the following: SIFT: "Not Available"; PolyPhen-2: "Benign"; Align-GVGD: "Not Available". The arginine amino acid residue is found in multiple mammalian species, which suggests that this missense change does not adversely affect protein function. In summary, the available evidence is currently insufficient to determine the role of this variant in disease. Therefore, it has been classified as a Variant of Uncertain Significance. This sequence change replaces cysteine, which is neutral and slightly polar, with arginine, which is basic and polar, at codon 607 of the BLM protein (p.Cys607Arg).

NM_000057.4(BLM):c.1819T>C (p.Cys607Arg)

Gene: BLM (BLM RecQ like helicase; plus strand). Cytogenetic location: 15q26.1.
Variant type: single nucleotide variant.
Coding change: c.1819T>C on transcript NM_000057.4 (MANE Select); coding-DNA position 1819, T replaced by C.
Protein change: p.Cys607Arg; replaces cysteine 607 with arginine.
Molecular consequence: missense variant.
Genome position (GRCh38, 1-based): chr15:90,761,192, T>C. VCF-style: chr15-90761192-T-C. GRCh37 (hg19) VCF-style: chr15-91304422-T-C.
Other names: c.1819T>C, p.Cys607Arg (NM_001287246.2, NM_001287247.2); c.694T>C, p.Cys232Arg (NM_001287248.2); short protein forms C607R, C232R.
Identifiers: ClinVar variation 2977380 (VCV002977380.4), dbSNP rs2505429425, ClinGen allele CA393843910.
Genomic context (GRCh38, chr15:90,761,192, plus strand): 5'-ATCAAGGAAGGTCGGCCAATTAAATCAGTATCAGAAAGACTTTCCTCAGCCAAGACAGAC[T>C]GTCTTCCAGTGTCATCTACTGCTCAAAATATAAACTTCTCAGAGTCAATTCAGAATTATA-3'
Protein context (NP_000048.1, residues 597-617): SERLSSAKTD[Cys607Arg]LPVSSTAQNI